The following is an entry in ClinVar:

NM_000530.8(MPZ):c.266T>A (p.Ile89Asn)

Gene: MPZ (myelin protein zero; minus strand). Cytogenetic location: 1q23.3.
Variant type: single nucleotide variant.
Coding change: c.266T>A on transcript NM_000530.8 (MANE Select); coding-DNA position 266, T replaced by A.
Protein change: p.Ile89Asn; replaces isoleucine 89 with asparagine.
Molecular consequence: missense variant.
Genome position (GRCh38, 1-based): chr1:161,306,890, A>T on the plus strand (T>A on the coding strand, the complement: MPZ is on the minus strand). VCF-style: chr1-161306890-A-T. GRCh37 (hg19) VCF-style: chr1-161276680-A-T.
Other names: c.266T>A, p.Ile89Asn (LRG_256t1, NM_001315491.2); short protein forms I89N.
Identifiers: ClinVar variation 242786 (VCV000242786.10), dbSNP rs267607244, ClinGen allele CA351452.

ClinVar aggregate classification (germline): Uncertain significance. Review status: criteria provided, multiple submitters, no conflicts (2 of 4 stars). 2 submissions from 2 submitters: Uncertain significance (2). Last evaluated 2023-02-27.

Conditions:
Charcot-Marie-Tooth disease, type I (CMT1). Also called: Charcot-Marie-Tooth, Type 1; Charcot-Marie-Tooth disease type 1. Identifiers: Orphanet 65753, MedGen C0751036, MONDO:0019011.

Submissions (2):

Labcorp Genetics (formerly Invitae), Labcorp
Classification: Uncertain significance for Charcot-Marie-Tooth disease, type I. Last evaluated: 2023-02-27. Review status: criteria provided, single submitter. Criteria: Invitae Variant Classification Sherloc (09022015). Collection method: clinical testing. Allele origin: germline.
Comment: This variant is not present in population databases (gnomAD no frequency). This missense change has been observed in individual(s) with Charcot-Marie-Tooth disease (PMID: 11835375). ClinVar contains an entry for this variant (Variation ID: 242786). Advanced modeling of protein sequence and biophysical properties (such as structural, functional, and spatial information, amino acid conservation, physicochemical variation, residue mobility, and thermodynamic stability) performed at Invitae indicates that this missense variant is not expected to disrupt MPZ protein function. In summary, the available evidence is currently insufficient to determine the role of this variant in disease. Therefore, it has been classified as a Variant of Uncertain Significance. This sequence change replaces isoleucine, which is neutral and non-polar, with asparagine, which is neutral and polar, at codon 89 of the MPZ protein (p.Ile89Asn).

GeneDx
Classification: Uncertain significance. Last evaluated: 2017-07-21. Review status: criteria provided, single submitter. Criteria: GeneDx Variant Classification (06012015). Collection method: clinical testing. Allele origin: germline. Affected: yes.
Comment: A variant of uncertain significance has been identified in the MPZ gene. The I89N variant has been previously reported in a patient with CMT2 who also had two other MPZ variants, I162M and V92M; analysis of cloned PCR fragments was consistent with all 3 alleles being present on the same allele (in cis) (Boerkoel et al., 2001). The I89N variant is not observed in large population cohorts (Lek et al., 2016; 1000 Genomes Consortium et al., 2015; Exome Variant Server). The I89N variant is a non-conservative amino acid substitution, which is likely to impact secondary protein structure as these residues differ in polarity, charge, size and/or other properties. Missense variants in nearby residues (Y88H, D90H/E, V92M, G93E) have been reported in the Human Gene Mutation Database in association with CMT (Stenson et al., 2014), supporting the functional importance of this region of the protein. Additionally, the majority of missense variants in this gene are considered pathogenic (Stenson et al., 2014). However, this substitution occurs at a position where amino acids with similar properties to Isoleucine are tolerated across species, and in silico analysis is inconsistent in its predictions as to whether or not the variant is damaging to the protein structure/function. Therefore, based on the currently available information, it is unclear whether this variant is a pathogenic variant or a rare benign variant.

Literature cited by the submitters: PubMed 11835375 (cited by Labcorp Genetics (formerly Invitae), Labcorp).